The following is an entry in ClinVar:

NM_003640.5(ELP1):c.1540T>C (p.Phe514Leu)

Gene: ELP1 (elongator acetyltransferase complex subunit 1; minus strand). Cytogenetic location: 9q31.3.
Variant type: single nucleotide variant.
Coding change: c.1540T>C on transcript NM_003640.5 (MANE Select); coding-DNA position 1540, T replaced by C.
Protein change: p.Phe514Leu; replaces phenylalanine 514 with leucine.
Molecular consequence: missense variant.
Genome position (GRCh38, 1-based): chr9:108,906,406, A>G on the plus strand (T>C on the coding strand, the complement: ELP1 is on the minus strand). VCF-style: chr9-108906406-A-G. GRCh37 (hg19) VCF-style: chr9-111668686-A-G.
Other names: c.1198T>C, p.Phe400Leu (NM_001318360.2); c.493T>C, p.Phe165Leu (NM_001330749.2); short protein forms F400L, F514L, F165L.
Identifiers: ClinVar variation 1491834 (VCV001491834.8), dbSNP rs2132003509, ClinGen allele CA374427574.
Genomic context (GRCh38, chr9:108,906,406, plus strand): 5'-CTGCAGTCAAATGGTGAATGACAGACCGGGGGCTGAACTCACTGTGGCTTACAGCCAGGA[A>G]GACGTCTTCTTCAATCCAAGTGAGAAGGCCTAGTTTCAGCGGGTTTACATCTTGATCTTC-3'
Protein context (NP_003631.2, residues 504-524): GLLTWIEEDV[Phe514Leu]LAVSHSEFSP

ClinVar aggregate classification (germline): Uncertain significance (1 of 4 stars; one submission).

Allele frequency attached by ClinVar (database versions not stated): gnomAD exomes below 0.00001.
gnomAD v4.1: 2 of 1,614,142 alleles (0.00012%); highest among the groups gnomAD compares: South Asian, 0.0011%; no homozygotes.

Submission:

Labcorp Genetics (formerly Invitae), Labcorp
Classification: Uncertain significance. Last evaluated: 2020-12-06. Review status: criteria provided, single submitter. Criteria: Invitae Variant Classification Sherloc (09022015). Collection method: clinical testing. Allele origin: germline.
Comment: In summary, the available evidence is currently insufficient to determine the role of this variant in disease. Therefore, it has been classified as a Variant of Uncertain Significance. Algorithms developed to predict the effect of missense changes on protein structure and function are either unavailable or do not agree on the potential impact of this missense change (SIFT: "Tolerated"; PolyPhen-2: "Possibly Damaging"; Align-GVGD: "Class C0"). This variant has not been reported in the literature in individuals with ELP1-related conditions. This variant is not present in population databases (ExAC no frequency). This sequence change replaces phenylalanine with leucine at codon 514 of the ELP1 protein (p.Phe514Leu). The phenylalanine residue is moderately conserved and there is a small physicochemical difference between phenylalanine and leucine.